The following is an entry in ClinVar:

NM_021930.6(RINT1):c.1784T>C (p.Met595Thr)

Gene: RINT1 (RAD50 interactor 1; plus strand). Cytogenetic location: 7q22.3.
Variant type: single nucleotide variant.
Coding change: c.1784T>C on transcript NM_021930.6 (MANE Select); coding-DNA position 1784, T replaced by C.
Protein change: p.Met595Thr; replaces methionine 595 with threonine.
Molecular consequence: missense variant. On other transcripts: non-coding transcript variant (1).
Genome position (GRCh38, 1-based): chr7:105,563,845, T>C. VCF-style: chr7-105563845-T-C. GRCh37 (hg19) VCF-style: chr7-105204292-T-C.
Other names: c.1550T>C, p.Met517Thr (NM_001346599.2); c.761T>C, p.Met254Thr (NM_001346600.2, NM_001346603.2); c.860T>C, p.Met287Thr (NM_001346601.2); short protein forms M254T, M517T, M287T, M595T.
Identifiers: ClinVar variation 3433643 (VCV003433643.1).
Genomic context (GRCh38, chr7:105,563,845, plus strand): 5'-CTCTGAGTAAATTGCAGCTAGGACAGCTAGCCTCTATGGAGAGCTCTGTCTTTGATGACA[T>C]GATTAACCTCTTAGAACGTTTAAAGCATGATATGTTGACCCGTCAAGTAGACCACGTTTT-3'
Protein context (NP_068749.3, residues 585-605): ASMESSVFDD[Met595Thr]INLLERLKHD

ClinVar aggregate classification (germline): Uncertain significance (1 of 4 stars; one submission).

Submission:

Ambry Genetics
Classification: Uncertain significance. Last evaluated: 2024-10-26. Review status: criteria provided, single submitter. Criteria: Ambry Variant Classification Scheme 2023. Collection method: clinical testing. Allele origin: germline.
Comment: The p.M595T variant (also known as c.1784T>C), located in coding exon 12 of the RINT1 gene, results from a T to C substitution at nucleotide position 1784. The methionine at codon 595 is replaced by threonine, an amino acid with similar properties. This amino acid position is conserved. In addition, the in silico prediction for this alteration is inconclusive. Based on the available evidence, the clinical significance of this variant remains unclear.